The following is an entry in ClinVar:

NM_002317.7(LOX):c.1132G>C (p.Val378Leu)

Genes: LOX (lysyl oxidase; minus strand), SRFBP1 (serum response factor binding protein 1; plus strand). Cytogenetic location: 5q23.1.
Variant type: single nucleotide variant.
Coding change: c.1132G>C on transcript NM_002317.7 (MANE Select); coding-DNA position 1132, G replaced by C.
Protein change: p.Val378Leu; replaces valine 378 with leucine.
Molecular consequence: missense variant.
Genome position (GRCh38, 1-based): chr5:122,070,168, C>G on the plus strand (G>C on the coding strand, the complement: LOX is on the minus strand). VCF-style: chr5-122070168-C-G. GRCh37 (hg19) VCF-style: chr5-121405863-C-G.
Other names: 3 prime splice variant; c.1132G>C (NM_002317.6); c.442G>C, p.Val148Leu (NM_001178102.2); c.241G>C, p.Val81Leu (NM_001317073.1); short protein forms V148L, V378L, V81L.
Identifiers: ClinVar variation 2446432 (VCV002446432.4), dbSNP rs2532901248, ClinGen allele CA360880368.

ClinVar aggregate classification (germline): Conflicting classifications of pathogenicity. Review status: criteria provided, conflicting classifications (1 of 4 stars). 3 submissions from 3 submitters: Likely pathogenic (1); Uncertain significance (2). Last evaluated 2025-07-22.

Conditions:
Aortic aneurysm, familial thoracic 10 (AAT10). Identifiers: MedGen C4284414, MONDO:0014950, OMIM 617168.

Submissions (3):

GeneDx
Classification: Uncertain significance. Last evaluated: 2025-07-22. Review status: criteria provided, single submitter. Criteria: GeneDx Variant Classification Process June 2021. Collection method: clinical testing. Allele origin: germline. Affected: yes.
Comment: Not observed at significant frequency in large population cohorts (gnomAD); In silico analysis supports a deleterious effect on splicing; In silico analysis suggests that this missense variant does not alter protein structure/function; Has not been previously published as pathogenic or benign to our knowledge

Labcorp Genetics (formerly Invitae), Labcorp
Classification: Uncertain significance. Last evaluated: 2025-04-06. Review status: criteria provided, single submitter. Criteria: Invitae Variant Classification Sherloc (09022015). Collection method: clinical testing. Allele origin: germline.
Comment: This sequence change replaces valine, which is neutral and non-polar, with leucine, which is neutral and non-polar, at codon 378 of the LOX protein (p.Val378Leu). This variant is not present in population databases (gnomAD no frequency). This variant has not been reported in the literature in individuals affected with LOX-related conditions. ClinVar contains an entry for this variant (Variation ID: 2446432). Invitae Evidence Modeling of protein sequence and biophysical properties (such as structural, functional, and spatial information, amino acid conservation, physicochemical variation, residue mobility, and thermodynamic stability) has been performed for this missense variant. However, the output from this modeling did not meet the statistical confidence thresholds required to predict the impact of this variant on LOX protein function. Algorithms developed to predict the effect of sequence changes on RNA splicing suggest that this variant may disrupt the consensus splice site. In summary, the available evidence is currently insufficient to determine the role of this variant in disease. Therefore, it has been classified as a Variant of Uncertain Significance.

Foundation for Research in Genetics and Endocrinology, FRIGE's Institute of Human Genetics
Classification: Likely pathogenic for Aortic aneurysm, familial thoracic 10. Last evaluated: 2023-03-03. Review status: criteria provided, single submitter. Criteria: ACMG Guidelines, 2015. Collection method: clinical testing. Allele origin: germline. Inheritance: Autosomal dominant inheritance. Affected: yes. Observed: 1 heterozygote.
Comment: A heterozygous 3’ splice site variant in intron 5 of the LOX gene that affects the invariant AG acceptor splice site upstream of exon 6 (c.1132-1G>C) was detected. The variant has not been reported in the 1000 genomes, gnomAD (v3.1), gnomdAD (v2.1), topmed databases. The in silico prediction of the variant is damaging by MutationTaster2. The reference base is conserved across species. In summary, the variant meets our criteria to be classified as likely pathogenic.